The following is an entry in ClinVar:

ClinVar aggregate classification (germline): Pathogenic (1 of 4 stars; one submission).

Submission:

Labcorp Genetics (formerly Invitae), Labcorp
Classification: Pathogenic. Last evaluated: 2023-02-27. Review status: criteria provided, single submitter. Criteria: Invitae Variant Classification Sherloc (09022015). Collection method: clinical testing. Allele origin: germline.
Comment: For these reasons, this variant has been classified as Pathogenic. This premature translational stop signal has been observed in individual(s) with Gitelman syndrome (PMID: 21415153). This variant is not present in population databases (gnomAD no frequency). This sequence change creates a premature translational stop signal (p.Leu419Argfs*29) in the SLC12A3 gene. It is expected to result in an absent or disrupted protein product. Loss-of-function variants in SLC12A3 are known to be pathogenic (PMID: 20848653, 22009145, 25841442).

Literature cited by the submitters: PubMed 21415153; PubMed 20848653; PubMed 22009145; PubMed 25841442.

NM_001126108.2(SLC12A3):c.1256del (p.Leu419fs)

Gene: SLC12A3 (solute carrier family 12 member 3; plus strand). Cytogenetic location: 16q13.
Variant type: Deletion.
Coding change: c.1256del on transcript NM_001126108.2 (MANE Select); coding-DNA position 1256, one base deleted (T; older notation c.1256delT).
Protein change: p.Leu419fs; shifts the reading frame from leucine 419.
Molecular consequence: frameshift variant.
Genome position (GRCh38, 1-based): chr16:56,879,148, T deleted. VCF-style (leftmost placement, unchanged base first): chr16-56879147-CT-C. GRCh37 (hg19) VCF-style: chr16-56913059-CT-C.
Other names: c.1256del, p.Leu419fs (NM_000339.3); c.1253del, p.Leu418fs (NM_001126107.2, NM_001410896.1); short protein forms L418fs, L419fs.
Identifiers: ClinVar variation 2723599 (VCV002723599.3), dbSNP rs2543503132, ClinGen allele CA2569190929.